The following is an entry in ClinVar:

NM_006912.6(RIT1):c.*9T>C

Gene: RIT1 (Ras like without CAAX 1; minus strand). Cytogenetic location: 1q22.
Variant type: single nucleotide variant.
Coding change: c.*9T>C on transcript NM_006912.6 (MANE Select); 9 bases downstream of the stop codon, T replaced by C.
Molecular consequence: 3 prime UTR variant.
Genome position (GRCh38, 1-based): chr1:155,900,379, A>G on the plus strand (T>C on the coding strand, the complement: RIT1 is on the minus strand). VCF-style: chr1-155900379-A-G. GRCh37 (hg19) VCF-style: chr1-155870170-A-G.
Other names: c.*9T>C (NM_001256820.2, NM_001256821.2).
Identifiers: ClinVar variation 2429605 (VCV002429605.1), dbSNP rs374740852, ClinGen allele CA1151748.

ClinVar aggregate classification (germline): Likely benign (1 of 4 stars; one submission).

Allele frequency attached by ClinVar (database versions not stated): ExAC 0.00001; TOPMed 0.00001; ESP Exome Variant Server 0.00008.
gnomAD v4.1: 39 of 1,602,304 alleles (0.0024%); highest among the groups gnomAD compares: Non-Finnish European, 0.0032%; no homozygotes.

Submission:

GeneDx
Classification: Likely benign. Last evaluated: 2023-02-09. Review status: criteria provided, single submitter. Criteria: GeneDx Variant Classification Process June 2021. Collection method: clinical testing. Allele origin: germline. Affected: yes.
Comment: See Variant Classification Assertion Criteria.